The following is an entry in ClinVar:

NM_000264.5(PTCH1):c.3550-4A>G

Gene: PTCH1 (patched 1; minus strand). Cytogenetic location: 9q22.32.
Variant type: single nucleotide variant.
Coding change: c.3550-4A>G on transcript NM_000264.5 (MANE Select); 4 bases into the intron before coding-DNA position 3550, A replaced by G.
Molecular consequence: intron variant.
Genome position (GRCh38, 1-based): chr9:95,449,327, T>C on the plus strand (A>G on the coding strand, the complement: PTCH1 is on the minus strand). VCF-style: chr9-95449327-T-C. GRCh37 (hg19) VCF-style: chr9-98211609-T-C.
Other names: c.3547-4A>G (NM_001083603.3); c.3352-4A>G (NM_001083602.3); c.3394-4A>G (NM_001354918.2); c.3097-4A>G (NM_001083605.3, NM_001083604.3, NM_001083606.3 and 1 more transcripts).
Identifiers: ClinVar variation 1053747 (VCV001053747.9), dbSNP rs1838244885, ClinGen allele CA1865578955.

ClinVar aggregate classification (germline): Uncertain significance (1 of 4 stars; one submission).

Conditions:
Gorlin syndrome. Also called: Nevoid Basal Cell Carcinoma Syndrome; Basal cell nevus syndrome. Identifiers: Orphanet 377, MedGen C0004779, MONDO:0007187.

Allele frequency attached by ClinVar (database versions not stated): TOPMed 0.00001.

Submission:

Labcorp Genetics (formerly Invitae), Labcorp
Classification: Uncertain significance for Gorlin syndrome. Last evaluated: 2020-09-02. Review status: criteria provided, single submitter. Criteria: Invitae Variant Classification Sherloc (09022015). Collection method: clinical testing. Allele origin: germline.
Comment: This sequence change falls in intron 21 of the PTCH1 gene. It does not directly change the encoded amino acid sequence of the PTCH1 protein. This variant is not present in population databases (ExAC no frequency). This variant has not been reported in the literature in individuals with PTCH1-related conditions. Algorithms developed to predict the effect of sequence changes on RNA splicing suggest that this variant may disrupt the consensus splice site, but this prediction has not been confirmed by published transcriptional studies. In summary, the available evidence is currently insufficient to determine the role of this variant in disease. Therefore, it has been classified as a Variant of Uncertain Significance.